The following is an entry in ClinVar:

ClinVar aggregate classification (germline): Likely benign (1 of 4 stars; one submission).

Conditions:
Cleft palate with or without ankyloglossia, X-linked. Identifiers: Orphanet 324601, MedGen C1844830, MONDO:0010560, OMIM 303400.

Allele frequency attached by ClinVar (database versions not stated): gnomAD exomes 0.00015 and 0.00038; TOPMed 0.00033; ExAC 0.00040; 1000 Genomes Project 0.00053; 1000 Genomes Project 30x 0.00062.
gnomAD v4.1: 152 of 931,922 alleles (0.016%); highest among the groups gnomAD compares: East Asian, 0.43%; 1 homozygote.

Submission:

Illumina Laboratory Services, Illumina
Classification: Likely benign for Cleft palate with or without ankyloglossia, X-linked. Last evaluated: 2018-01-13. Review status: criteria provided, single submitter. Criteria: ICSL Variant Classification Criteria 13 December 2019. Collection method: clinical testing. Allele origin: germline.
Comment: This variant was observed in the ICSL laboratory as part of a predisposition screen in an ostensibly healthy population. It had not been previously curated by ICSL or reported in the Human Gene Mutation Database (HGMD: prior to June 1st, 2018), and was therefore a candidate for classification through an automated scoring system. Utilizing variant allele frequency, disease prevalence and penetrance estimates, and inheritance mode, an automated score was calculated to assess if this variant is too frequent to cause the disease. Based on the score and internal cut-off values, a variant classified as likely benign is not then subjected to further curation. The score for this variant resulted in a classification of likely benign for this disease.

NM_001109878.2(TBX22):c.799-13A>G

Gene: TBX22 (T-box transcription factor 22). Cytogenetic location: Xq21.1.
Variant type: single nucleotide variant.
Coding change: c.799-13A>G on transcript NM_001109878.2 (MANE Select); 13 bases into the intron before coding-DNA position 799, A replaced by G.
Molecular consequence: intron variant.
Genome position (GRCh38, 1-based): chrX:80,027,243, A>G. VCF-style: chrX-80027243-A-G. GRCh37 (hg19) VCF-style: chrX-79282742-A-G.
Other names: c.439-13A>G (NM_001109879.2, NM_001303475.1); c.799-13A>G (NM_016954.2).
Identifiers: ClinVar variation 914623 (VCV000914623.4), dbSNP rs188139172, ClinGen allele CA10461308.